The following is an entry in ClinVar:

NM_004897.5(MINPP1):c.171C>T (p.Asn57=)

Gene: MINPP1 (multiple inositol-polyphosphate phosphatase 1; plus strand). Cytogenetic location: 10q23.2.
Variant type: single nucleotide variant.
Coding change: c.171C>T on transcript NM_004897.5 (MANE Select); coding-DNA position 171, C replaced by T.
Protein change: p.Asn57=; no amino-acid change (asparagine 57 retained).
Molecular consequence: synonymous variant.
Genome position (GRCh38, 1-based): chr10:87,505,086, C>T. VCF-style: chr10-87505086-C-T. GRCh37 (hg19) VCF-style: chr10-89264843-C-T.
Other names: c.171C>T, p.Asn57= (NM_001178117.2); c.171C>T (NM_004897.4).
Identifiers: ClinVar variation 2640658 (VCV002640658.25), dbSNP rs753620907, ClinGen allele CA5588950.

ClinVar aggregate classification (germline): Likely benign. Review status: criteria provided, single submitter (1 of 4 stars). 2 submissions from 2 submitters: Likely benign (1). 1 of the submissions does not count toward it. Last evaluated 2022-05-01.

Conditions:
MINPP1-related disorder. Also called: MINPP1-related condition.

Allele frequency attached by ClinVar (database versions not stated): gnomAD 0.00001; TOPMed 0.00001; gnomAD exomes 0.00002; ExAC 0.00003.
gnomAD v4.1: 33 of 1,613,518 alleles (0.002%); highest among the groups gnomAD compares: Middle Eastern, 0.033%; no homozygotes.

Submissions (2):

CeGaT Center for Human Genetics Tuebingen
Classification: Likely benign. Last evaluated: 2022-05-01. Review status: criteria provided, single submitter. Criteria: CeGaT Center For Human Genetics Tuebingen Variant Classification Criteria Version 2. Collection method: clinical testing. Allele origin: germline. Affected: yes. Observed: 1 variant allele.
Comment: MINPP1: BP4, BP7

PreventionGenetics, part of Exact Sciences
Classification: Likely benign for MINPP1-related condition. Last evaluated: 2019-02-21. Review status: no assertion criteria provided. Collection method: clinical testing. Allele origin: germline. Not counted in ClinVar's aggregate classification.
Comment: This variant is classified as likely benign based on ACMG/AMP sequence variant interpretation guidelines (Richards et al. 2015 PMID: 25741868, with internal and published modifications).